The following is an entry in ClinVar:

NM_152564.5(VPS13B):c.8550A>G (p.Pro2850=)

Gene: VPS13B (vacuolar protein sorting 13 homolog B; plus strand). Cytogenetic location: 8q22.2.
Variant type: single nucleotide variant.
Coding change: c.8550A>G on transcript NM_152564.5 (MANE Select); coding-DNA position 8550, A replaced by G.
Protein change: p.Pro2850=; no amino-acid change (proline 2850 retained).
Molecular consequence: synonymous variant.
Genome position (GRCh38, 1-based): chr8:99,818,817, A>G. VCF-style: chr8-99818817-A-G. GRCh37 (hg19) VCF-style: chr8-100831045-A-G.
Other names: c.8625A>G, p.Pro2875= (NM_017890.5); c.8550A>G (NM_152564.4).
Identifiers: ClinVar variation 1094722 (VCV001094722.10), dbSNP rs1052125514, ClinGen allele CA182328183.

ClinVar aggregate classification (germline): Likely benign. Review status: criteria provided, multiple submitters, no conflicts (2 of 4 stars). 2 submissions from 2 submitters: Likely benign (2). Last evaluated 2025-08-01.

Conditions:
Cohen syndrome (COH1). Also called: Cutis verticis gyrata, retinitis pigmentosa, and sensorineural deafness; PEPPER SYNDROME. Identifiers: Orphanet 193, MedGen C0265223, MONDO:0008999, OMIM 216550.
VPS13B-related disorder. Also called: VPS13B-related condition.

Allele frequency attached by ClinVar (database versions not stated): gnomAD exomes below 0.00001.
gnomAD v4.1: 1 of 1,614,116 alleles (0.000062%); highest among the groups gnomAD compares: Admixed American, 0.0017%; no homozygotes.

Submissions (2):

PreventionGenetics, part of Exact Sciences
Classification: Likely benign for VPS13B-related condition. Last evaluated: 2025-08-01. Review status: criteria provided, single submitter. Criteria: ACMG Guidelines, 2015. Collection method: clinical testing. Allele origin: germline.
Comment: This variant is classified as likely benign based on ACMG/AMP sequence variant interpretation guidelines (Richards et al. 2015 PMID: 25741868, with internal and published modifications).

Labcorp Genetics (formerly Invitae), Labcorp
Classification: Likely benign for Cohen syndrome. Last evaluated: 2023-05-15. Review status: criteria provided, single submitter. Criteria: Invitae Variant Classification Sherloc (09022015). Collection method: clinical testing. Allele origin: germline.